The following is an entry in ClinVar:

ClinVar aggregate classification (germline): Likely benign. Review status: criteria provided, multiple submitters, no conflicts (2 of 4 stars). 2 submissions from 2 submitters: Likely benign (2). Last evaluated 2024-10-22.

Conditions:
ADNP-related multiple congenital anomalies - intellectual disability - autism spectrum disorder. Also called: Helsmoortel-Van der Aa Syndrome; ADNP-Related Helsmoortel-Van der Aa Syndrome. Identifiers: Orphanet 404448, MedGen C4014538, MONDO:0014379, OMIM 615873. Disease mechanism: loss of function.

Allele frequency attached by ClinVar (database versions not stated): TOPMed below 0.00001.

Submissions (2):

Labcorp Genetics (formerly Invitae), Labcorp
Classification: Likely benign. Last evaluated: 2024-10-22. Review status: criteria provided, single submitter. Criteria: Invitae Variant Classification Sherloc (09022015). Collection method: clinical testing. Allele origin: germline.

3billion
Classification: Likely benign for ADNP-related multiple congenital anomalies - intellectual disability - autism spectrum disorder. Last evaluated: 2024-09-20. Review status: criteria provided, single submitter. Criteria: ACMG Guidelines, 2015. Collection method: clinical testing. Allele origin: germline. Affected: no.
Comment: The variant was identified in at least one patient who was diagnosed with a different variant in another gene and showed no symptoms related to the gene containing the variant in question.

NM_001282531.3(ADNP):c.1137G>A (p.Gly379=)

Gene: ADNP (activity dependent neuroprotector homeobox; minus strand). Cytogenetic location: 20q13.13.
Variant type: single nucleotide variant.
Coding change: c.1137G>A on transcript NM_001282531.3 (MANE Select); coding-DNA position 1137, G replaced by A.
Protein change: p.Gly379=; no amino-acid change (glycine 379 retained).
Molecular consequence: synonymous variant.
Genome position (GRCh38, 1-based): chr20:50,893,577, C>T on the plus strand (G>A on the coding strand, the complement: ADNP is on the minus strand). VCF-style: chr20-50893577-C-T. GRCh37 (hg19) VCF-style: chr20-49510114-C-T.
Other names: c.1137G>A, p.Gly379= (NM_001282532.2, NM_001347511.2, NM_015339.5 and 1 more transcripts).
Identifiers: ClinVar variation 2043207 (VCV002043207.5), dbSNP rs761934331, ClinGen allele CA511022553.